The following is an entry in ClinVar:

ClinVar aggregate classification (germline): Uncertain significance. Review status: criteria provided, multiple submitters, no conflicts (2 of 4 stars). 4 submissions from 4 submitters: Uncertain significance (3). 1 of the submissions does not count toward it. Last evaluated 2023-05-11.

Conditions:
MAGEL2-related disorder. Also called: MAGEL2-related condition.
Schaaf-Yang syndrome (SHFYNG). Also called: MAGEL2-related Prader-Willi-like syndrome; Arthrogryposis, distal, with hypopituitarism, intellectual disability, and facial anomalies. Identifiers: Orphanet 398069, MedGen C5575066, MONDO:0014243, OMIM 615547.

Allele frequency attached by ClinVar (database versions not stated): TOPMed below 0.00001.
gnomAD v4.1: 2 of 1,613,832 alleles (0.00012%); highest among the groups gnomAD compares: African/African-American, 0.0027%; no homozygotes.

Submissions (4):

Labcorp Genetics (formerly Invitae), Labcorp
Classification: Uncertain significance. Last evaluated: 2023-05-11. Review status: criteria provided, single submitter. Criteria: Invitae Variant Classification Sherloc (09022015). Collection method: clinical testing. Allele origin: germline.
Comment: This sequence change replaces threonine, which is neutral and polar, with serine, which is neutral and polar, at codon 858 of the MAGEL2 protein (p.Thr858Ser). This variant is not present in population databases (gnomAD no frequency). This variant has not been reported in the literature in individuals affected with MAGEL2-related conditions. ClinVar contains an entry for this variant (Variation ID: 598332). Advanced modeling of protein sequence and biophysical properties (such as structural, functional, and spatial information, amino acid conservation, physicochemical variation, residue mobility, and thermodynamic stability) performed at Invitae indicates that this missense variant is not expected to disrupt MAGEL2 protein function. In summary, the available evidence is currently insufficient to determine the role of this variant in disease. Therefore, it has been classified as a Variant of Uncertain Significance.

Revvity Omics, Revvity
Classification: Uncertain significance for Schaaf-Yang syndrome. Last evaluated: 2022-08-24. Review status: criteria provided, single submitter. Criteria: ACMG Guidelines, 2015. Collection method: clinical testing. Allele origin: germline.

Eurofins Ntd Llc (ga)
Classification: Uncertain significance. Last evaluated: 2018-08-15. Review status: criteria provided, single submitter. Criteria: EGL ClinVar v180209 classification definitions. Collection method: clinical testing. Allele origin: germline. Observed: 1 variant allele, 1 heterozygote.

PreventionGenetics, part of Exact Sciences
Classification: Uncertain significance for MAGEL2-related condition. Last evaluated: 2024-04-18. Review status: no assertion criteria provided. Collection method: clinical testing. Allele origin: germline. Not counted in ClinVar's aggregate classification.
Comment: The MAGEL2 c.2572A>T variant is predicted to result in the amino acid substitution p.Thr858Ser. This variant has been reported in an individual with extreme obesity and tall stature (Duhame and Zhou 2019. doi: 10.1210/js.2019-MON-103). This variant has not been reported in a large population database, indicating this variant is rare. At this time, the clinical significance of this variant is uncertain due to the absence of conclusive functional and genetic evidence.

NM_019066.5(MAGEL2):c.2572A>T (p.Thr858Ser)

Gene: MAGEL2 (MAGE family member L2; minus strand). Cytogenetic location: 15q11.2.
Variant type: single nucleotide variant.
Coding change: c.2572A>T on transcript NM_019066.5 (MANE Select); coding-DNA position 2572, A replaced by T.
Protein change: p.Thr858Ser; replaces threonine 858 with serine.
Molecular consequence: missense variant.
Genome position (GRCh38, 1-based): chr15:23,645,171, T>A on the plus strand (A>T on the coding strand, the complement: MAGEL2 is on the minus strand). VCF-style: chr15-23645171-T-A. GRCh37 (hg19) VCF-style: chr15-23890318-T-A.
Other names: c.2572A>T (NM_019066.4); short protein forms T858S.
Identifiers: ClinVar variation 598332 (VCV000598332.12), dbSNP rs1343066533, ClinGen allele CA391330755.